The following is an entry in ClinVar:

ClinVar aggregate classification (germline): Conflicting classifications of pathogenicity. Review status: criteria provided, conflicting classifications (1 of 4 stars). 2 submissions from 2 submitters: Likely pathogenic (1); Uncertain significance (1). Last evaluated 2022-06-18.

Conditions:
Rare genetic deafness. Identifiers: Orphanet 96210, MedGen C5680250.

Submissions (2):

Labcorp Genetics (formerly Invitae), Labcorp
Classification: Uncertain significance. Last evaluated: 2022-06-18. Review status: criteria provided, single submitter. Criteria: Invitae Variant Classification Sherloc (09022015). Collection method: clinical testing. Allele origin: germline.
Comment: This sequence change replaces cysteine, which is neutral and slightly polar, with arginine, which is basic and polar, at codon 1898 of the TECTA protein (p.Cys1898Arg). This variant is not present in population databases (gnomAD no frequency). In summary, the available evidence is currently insufficient to determine the role of this variant in disease. Therefore, it has been classified as a Variant of Uncertain Significance. Algorithms developed to predict the effect of missense changes on protein structure and function (SIFT, PolyPhen-2, Align-GVGD) all suggest that this variant is likely to be disruptive. ClinVar contains an entry for this variant (Variation ID: 667414). This missense change has been observed in individual(s) with clinical features of autosomal dominant TECTA-related conditions. (PMID: 21520338).

Laboratory for Molecular Medicine, Mass General Brigham Personalized Medicine
Classification: Likely pathogenic for Rare genetic deafness. Last evaluated: 2019-03-06. Review status: criteria provided, single submitter. Criteria: LMM Criteria. Collection method: clinical testing. Allele origin: germline. Inheritance: Autosomal dominant inheritance. Observed: 4 variant alleles.
Comment: The p.Cys1898Arg variant in TECTA has been reported in 1 individual with postlingual mid-frequency hearing loss and an autosomal dominant family history of hearing loss; however, no segregation evidence was available (Hildebrand 2011). This variant was absent from large population studies. Computational prediction tools and conservation analysis suggest that the p.Cys1898Arg variant may impact the protein, though this information is not predictive enough to determine pathogenicity. In summary, although additional studies are required to fully establish its clinical significance, this variant meets criteria to be classified as likely pathogenic for autosomal dominant hearing loss. ACMG/AMP criteria applied: PM2, PP1_Moderate, PP3, PS4_Supporting.

Literature cited by the submitters: PubMed 21520338 (cited by Labcorp Genetics (formerly Invitae), Labcorp and Laboratory for Molecular Medicine, Mass General Brigham Personalized Medicine).

NM_005422.4(TECTA):c.5692T>C (p.Cys1898Arg)

Genes: TBCEL-TECTA (TBCEL-TECTA readthrough; plus strand), TECTA (tectorin alpha; plus strand). Cytogenetic location: 11q23.3.
Variant type: single nucleotide variant.
Coding change: c.5692T>C on transcript NM_005422.4 (MANE Select); coding-DNA position 5692, T replaced by C.
Protein change: p.Cys1898Arg; replaces cysteine 1898 with arginine.
Molecular consequence: missense variant.
Genome position (GRCh38, 1-based): chr11:121,168,159, T>C. VCF-style: chr11-121168159-T-C. GRCh37 (hg19) VCF-style: chr11-121038868-T-C.
Other names: c.6634T>C, p.Cys2212Arg (NM_001378761.1); short protein forms C1898R, C2212R.
Identifiers: ClinVar variation 667414 (VCV000667414.10), dbSNP rs1591464207, ClinGen allele CA383035519.